The following is an entry in ClinVar:

ClinVar aggregate classification (germline): Uncertain significance. Review status: criteria provided, multiple submitters, no conflicts (2 of 4 stars). 2 submissions from 2 submitters: Uncertain significance (2). Last evaluated 2025-02-21.

Conditions:
Inborn genetic diseases. Identifiers: MedGen C0950123, MeSH D030342.

Allele frequency attached by ClinVar (database versions not stated): ExAC 0.00005; gnomAD exomes 0.00005; gnomAD 0.00007; ESP Exome Variant Server 0.00008; TOPMed 0.00009; 1000 Genomes Project 0.00020; 1000 Genomes Project 30x 0.00031.
gnomAD v4.1: 77 of 1,614,090 alleles (0.0048%); highest among the groups gnomAD compares: African/African-American, 0.027%; no homozygotes.

Submissions (2):

Ambry Genetics
Classification: Uncertain significance for Inborn genetic diseases. Last evaluated: 2025-02-21. Review status: criteria provided, single submitter. Criteria: Ambry Variant Classification Scheme 2023. Collection method: clinical testing. Allele origin: germline.

Labcorp Genetics (formerly Invitae), Labcorp
Classification: Uncertain significance. Last evaluated: 2022-07-26. Review status: criteria provided, single submitter. Criteria: Invitae Variant Classification Sherloc (09022015). Collection method: clinical testing. Allele origin: germline.
Comment: This sequence change replaces valine, which is neutral and non-polar, with isoleucine, which is neutral and non-polar, at codon 3534 of the VPS13D protein (p.Val3534Ile). This variant is present in population databases (rs150752298, gnomAD 0.02%). This variant has not been reported in the literature in individuals affected with VPS13D-related conditions. Algorithms developed to predict the effect of missense changes on protein structure and function are either unavailable or do not agree on the potential impact of this missense change (SIFT: "Deleterious"; PolyPhen-2: "Probably Damaging"; Align-GVGD: "Class C0"). In summary, the available evidence is currently insufficient to determine the role of this variant in disease. Therefore, it has been classified as a Variant of Uncertain Significance.

NM_015378.4(VPS13D):c.10600G>A (p.Val3534Ile)

Gene: VPS13D (vacuolar protein sorting 13 homolog D; plus strand). Cytogenetic location: 1p36.22.
Variant type: single nucleotide variant.
Coding change: c.10600G>A on transcript NM_015378.4 (MANE Select); coding-DNA position 10600, G replaced by A.
Protein change: p.Val3534Ile; replaces valine 3534 with isoleucine.
Molecular consequence: missense variant.
Genome position (GRCh38, 1-based): chr1:12,369,494, G>A. VCF-style: chr1-12369494-G-A. GRCh37 (hg19) VCF-style: chr1-12429549-G-A.
Other names: c.10525G>A, p.Val3509Ile (NM_018156.4); c.10600G>A (NM_015378.2); short protein forms V3509I, V3534I.
Identifiers: ClinVar variation 2168441 (VCV002168441.4), dbSNP rs150752298, ClinGen allele CA603746.